The following is an entry in ClinVar:

NM_000283.4(PDE6B):c.1726G>A (p.Gly576Ser)

Gene: PDE6B (phosphodiesterase 6B; plus strand). Cytogenetic location: 4p16.3.
Variant type: single nucleotide variant.
Coding change: c.1726G>A on transcript NM_000283.4 (MANE Select); coding-DNA position 1726, G replaced by A.
Protein change: p.Gly576Ser; replaces glycine 576 with serine.
Molecular consequence: missense variant.
Genome position (GRCh38, 1-based): chr4:662,512, G>A. VCF-style: chr4-662512-G-A. GRCh37 (hg19) VCF-style: chr4-656301-G-A.
Other names: NP_000274.3:p.(Gly576Ser); c.1726G>A, p.Gly576Ser (NM_001145291.2); c.889G>A, p.Gly297Ser (NM_001145292.2, NM_001350154.3, NM_001379246.1 and 1 more transcripts); c.571G>A, p.Gly191Ser (NM_001350155.3); short protein forms G576S, G191S, G297S.
Identifiers: ClinVar variation 418401 (VCV000418401.19), dbSNP rs753925314, ClinGen allele CA2794667.
Genomic context (GRCh38, chr4:662,512, plus strand): 5'-CCACTCCCCACCCTGCTGGAGCCAGGACCGGTGAGCAAGGTGGCCCTGTCTCTACAGACC[G>A]GCAAACTGAAGAGCTACTACACGGACCTGGAGGCCTTCGCCATGGTGACAGCCGGCCTGT-3'
Protein context (NP_000274.3, residues 566-586): AQTMFTLLMT[Gly576Ser]KLKSYYTDLE

ClinVar aggregate classification (germline): Pathogenic/Likely pathogenic. Review status: criteria provided, multiple submitters, no conflicts (2 of 4 stars). 5 submissions from 5 submitters: Pathogenic (1); Likely pathogenic (4). Last evaluated 2026-08-27.

Conditions:
PDE6B-related disorder. Also called: PDE6B-related disease; PDE6B-related condition; PDE6B-related disorders.
Retinal dystrophy. Also called: Inherited retinal dystrophy. Identifiers: Orphanet 71862, MedGen C0854723, MeSH D058499, MONDO:0019118, HP:0000556.

Allele frequency attached by ClinVar (database versions not stated): gnomAD exomes below 0.00001 and 0.00001; ExAC 0.00001; gnomAD 0.00001; TOPMed 0.00003.
gnomAD v4.1: 14 of 1,609,068 alleles (0.00087%); highest among the groups gnomAD compares: East Asian, 0.0022%; no homozygotes.

Submissions (5):

PreventionGenetics, part of Exact Sciences
Classification: Likely pathogenic for PDE6B-related condition. Last evaluated: 2026-08-27. Review status: criteria provided, single submitter. Criteria: ACMG Guidelines, 2015. Collection method: clinical testing. Allele origin: germline.
Comment: The PDE6B c.1726G>A variant is predicted to result in the amino acid substitution p.Gly576Ser. This variant has been reported as causative for retinal disease or Usher syndrome (Sun et al. 2018. PubMed ID: 29625443; Khateb et al. 2019. PubMed ID: 30998820; Table S1, Schlottmann et al. 2023. PubMed ID: 37217489; Table S1, Hashem et al. 2024. PubMed ID: 38364953; Table S1, Ullah et al. 2025. PubMed ID: 40180963). This variant is present in 0.00088% of alleles in individuals of European (Non-Finnish) descent in gnomAD. This variant is interpreted as likely pathogenic for autosomal recessive disease.

Labcorp Genetics (formerly Invitae), Labcorp
Classification: Likely pathogenic. Last evaluated: 2024-11-11. Review status: criteria provided, single submitter. Criteria: Invitae Variant Classification Sherloc (09022015). Collection method: clinical testing. Allele origin: germline.
Comment: This sequence change replaces glycine, which is neutral and non-polar, with serine, which is neutral and polar, at codon 576 of the PDE6B protein (p.Gly576Ser). This variant is present in population databases (rs753925314, gnomAD 0.0009%). This missense change has been observed in individual(s) with autosomal recessive PDE6B-related conditions (PMID: 29625443, 30998820). In at least one individual the data is consistent with being in trans (on the opposite chromosome) from a pathogenic variant. ClinVar contains an entry for this variant (Variation ID: 418401). Invitae Evidence Modeling of protein sequence and biophysical properties (such as structural, functional, and spatial information, amino acid conservation, physicochemical variation, residue mobility, and thermodynamic stability) has been performed for this missense variant. However, the output from this modeling did not meet the statistical confidence thresholds required to predict the impact of this variant on PDE6B protein function. This variant disrupts the p.Gly576 amino acid residue in PDE6B. Other variant(s) that disrupt this residue have been determined to be pathogenic (PMID: 8595886; internal data). This suggests that this residue is clinically significant, and that variants that disrupt this residue are likely to be disease-causing. In summary, the currently available evidence indicates that the variant is pathogenic, but additional data are needed to prove that conclusively. Therefore, this variant has been classified as Likely Pathogenic.

Ophthalmic Genetics Group, Institute of Molecular and Clinical Ophthalmology Basel
Classification: Likely pathogenic for Retinal dystrophy. Last evaluated: 2024-05-27. Review status: criteria provided, single submitter. Criteria: ACMG Guidelines, 2015. Collection method: research. Allele origin: germline. Affected: yes. Observed: 2 variant alleles.
Comment: This variant was classified as Likely pathogenic based on ACMG criteria: PM2_mod, PM3_sup, PM5_mod and PP3_sup

GeneDx
Classification: Likely pathogenic. Last evaluated: 2023-12-14. Review status: criteria provided, single submitter. Criteria: GeneDx Variant Classification Process June 2021. Collection method: clinical testing. Allele origin: germline. Affected: yes.
Comment: In silico analysis supports that this missense variant has a deleterious effect on protein structure/function; Not observed at significant frequency in large population cohorts (gnomAD); This variant is associated with the following publications: (PMID: 29625443, 36460718, 30998820)

Blueprint Genetics
Classification: Pathogenic for PDE6B-related disorders. Last evaluated: 2022-11-16. Review status: criteria provided, single submitter. Criteria: ACMG Guidelines, 2015. Collection method: clinical testing. Allele origin: germline. Affected: yes. Observed: 3 variant alleles.

Literature cited by the submitters: PubMed 29625443 (cited by Labcorp Genetics (formerly Invitae), Labcorp and Ophthalmic Genetics Group, Institute of Molecular and Clinical Ophthalmology Basel); PubMed 30998820 (cited by Labcorp Genetics (formerly Invitae), Labcorp and Ophthalmic Genetics Group, Institute of Molecular and Clinical Ophthalmology Basel); PubMed 8595886 (cited by Labcorp Genetics (formerly Invitae), Labcorp); PubMed 40180963 (cited by Ophthalmic Genetics Group, Institute of Molecular and Clinical Ophthalmology Basel).